The following is an entry in ClinVar:

NM_001122764.3(PPOX):c.807G>A (p.Lys269=)

Gene: PPOX (protoporphyrinogen oxidase; plus strand). Cytogenetic location: 1q23.3.
Variant type: single nucleotide variant.
Coding change: c.807G>A on transcript NM_001122764.3 (MANE Select); coding-DNA position 807, G replaced by A.
Protein change: p.Lys269=; no amino-acid change (lysine 269 retained).
Molecular consequence: synonymous variant.
Genome position (GRCh38, 1-based): chr1:161,169,183, G>A. VCF-style: chr1-161169183-G-A. GRCh37 (hg19) VCF-style: chr1-161138973-G-A.
Other names: c.807G>A, p.Lys269= (NM_000309.5, NM_001365398.1, NM_001365399.1); c.708G>A, p.Lys236= (NM_001350128.2); c.399G>A, p.Lys133= (NM_001350129.2, NM_001365400.1); c.321G>A, p.Lys107= (NM_001350130.2, NM_001350131.2, NM_001365401.1).
Identifiers: ClinVar variation 3720254 (VCV003720254.2).

ClinVar aggregate classification (germline): Likely pathogenic (1 of 4 stars; one submission).

gnomAD v4.1: 2 of 1,613,690 alleles (0.00012%); highest among the groups gnomAD compares: Non-Finnish European, 0.00017%; no homozygotes.

Submission:

Labcorp Genetics (formerly Invitae), Labcorp
Classification: Likely pathogenic. Last evaluated: 2024-08-11. Review status: criteria provided, single submitter. Criteria: Invitae Variant Classification Sherloc (09022015). Collection method: clinical testing. Allele origin: germline.
Comment: This sequence change affects codon 269 of the PPOX mRNA. It is a 'silent' change, meaning that it does not change the encoded amino acid sequence of the PPOX protein. This variant also falls at the last nucleotide of exon 7, which is part of the consensus splice site for this exon. This variant is present in population databases (rs771363804, gnomAD 0.0009%). This variant has been observed in individuals with autosomal dominant porphyria (PMID: 25638459; Invitae). Variants that disrupt the consensus splice site are a relatively common cause of aberrant splicing (PMID: 17576681, 9536098). Studies have shown that this variant alters mRNA splicing and is expected to lead to the loss of protein expression (PMID: 25638459). In summary, the currently available evidence indicates that the variant is pathogenic, but additional data are needed to prove that conclusively. Therefore, this variant has been classified as Likely Pathogenic.

Literature cited by the submitters: PubMed 25638459; PubMed 17576681; PubMed 9536098.